The following is an entry in ClinVar:

ClinVar aggregate classification (germline): Uncertain significance (1 of 4 stars; one submission).

Conditions:
Multiple endocrine neoplasia, type 2 (MEN2). Identifiers: Orphanet 653, MedGen C4048306, MONDO:0019003. Disease mechanism: gain of function.

Submission:

Labcorp Genetics (formerly Invitae), Labcorp
Classification: Uncertain significance for Multiple endocrine neoplasia, type 2. Last evaluated: 2021-06-05. Review status: criteria provided, single submitter. Criteria: Invitae Variant Classification Sherloc (09022015). Collection method: clinical testing. Allele origin: germline.
Comment: In summary, the available evidence is currently insufficient to determine the role of this variant in disease. Therefore, it has been classified as a Variant of Uncertain Significance. Algorithms developed to predict the effect of missense changes on protein structure and function (SIFT, PolyPhen-2, Align-GVGD) all suggest that this variant is likely to be tolerated, but these predictions have not been confirmed by published functional studies and their clinical significance is uncertain. This variant has not been reported in the literature in individuals with RET-related conditions. This variant is not present in population databases (ExAC no frequency). This sequence change replaces tyrosine with histidine at codon 660 of the RET protein (p.Tyr660His). The tyrosine residue is moderately conserved and there is a moderate physicochemical difference between tyrosine and histidine.

NM_020975.6(RET):c.1978T>C (p.Tyr660His)

Gene: RET (ret proto-oncogene; plus strand). Cytogenetic location: 10q11.21.
Variant type: single nucleotide variant.
Coding change: c.1978T>C on transcript NM_020975.6 (MANE Select); coding-DNA position 1978, T replaced by C.
Protein change: p.Tyr660His; replaces tyrosine 660 with histidine.
Molecular consequence: missense variant.
Genome position (GRCh38, 1-based): chr10:43,114,578, T>C. VCF-style: chr10-43114578-T-C. GRCh37 (hg19) VCF-style: chr10-43610026-T-C.
Other names: c.1978T>C, p.Tyr660His (NM_000323.2, NM_001406743.1, NM_001406744.1 and 4 more transcripts); c.1216T>C, p.Tyr406His (NM_001355216.2); c.1849T>C, p.Tyr617His (NM_001406761.1, NM_001406762.1, NM_001406764.1); c.1690T>C, p.Tyr564His (NM_001406766.1, NM_001406767.1, NM_001406770.1); c.1582T>C, p.Tyr528His (NM_001406769.1, NM_001406772.1); c.1540T>C, p.Tyr514His (NM_001406771.1, NM_001406773.1); c.1453T>C, p.Tyr485His (NM_001406774.1); c.1252T>C, p.Tyr418His (NM_001406775.1, NM_001406776.1, NM_001406777.1 and 1 more transcripts); and 7 more; short protein forms Y406H, Y660H, Y318H, Y330H, Y528H, Y564H, Y617H, Y361H.
Identifiers: ClinVar variation 1399257 (VCV001399257.9), dbSNP rs2132848458, ClinGen allele CA376553060.
Genomic context (GRCh38, chr10:43,114,578, plus strand): 5'-GCCGCTGTCCTCTTCTCCTTCATCGTCTCGGTGCTGCTGTCTGCCTTCTGCATCCACTGC[T>C]ACCACAAGTTTGCCCACAAGCCACCCATCTCCTCAGCTGAGATGACCTTCCGGAGGCCCG-3'
Protein context (NP_066124.1, residues 650-670): VLLSAFCIHC[Tyr660His]HKFAHKPPIS